The following is an entry in ClinVar:

NM_006612.6(KIF1C):c.334G>A (p.Glu112Lys)

Gene: KIF1C (kinesin family member 1C; plus strand). Cytogenetic location: 17p13.2.
Variant type: single nucleotide variant.
Coding change: c.334G>A on transcript NM_006612.6 (MANE Select); coding-DNA position 334, G replaced by A.
Protein change: p.Glu112Lys; replaces glutamic acid 112 with lysine.
Molecular consequence: missense variant.
Genome position (GRCh38, 1-based): chr17:5,001,372, G>A. VCF-style: chr17-5001372-G-A. GRCh37 (hg19) VCF-style: chr17-4904667-G-A.
Other names: c.334G>A (NM_006612.5); short protein forms E112K.
Identifiers: ClinVar variation 1950520 (VCV001950520.6), dbSNP rs760142761, ClinGen allele CA8318506.

ClinVar aggregate classification (germline): Uncertain significance. Review status: criteria provided, multiple submitters, no conflicts (2 of 4 stars). 2 submissions from 2 submitters: Uncertain significance (2). Last evaluated 2024-11-04.

Conditions:
Inborn genetic diseases. Identifiers: MedGen C0950123, MeSH D030342.
Spastic ataxia 2. Also called: Ataxia, spastic, 2, autosomal recessive. Identifiers: Orphanet 397946, MedGen C1969796, MONDO:0012651, OMIM 611302.

Allele frequency attached by ClinVar (database versions not stated): gnomAD exomes 0.00001; ExAC 0.00002; TOPMed 0.00003.

Submissions (2):

Labcorp Genetics (formerly Invitae), Labcorp
Classification: Uncertain significance for Spastic ataxia 2. Last evaluated: 2024-11-04. Review status: criteria provided, single submitter. Criteria: Invitae Variant Classification Sherloc (09022015). Collection method: clinical testing. Allele origin: germline.
Comment: This sequence change replaces glutamic acid, which is acidic and polar, with lysine, which is basic and polar, at codon 112 of the KIF1C protein (p.Glu112Lys). This variant is present in population databases (rs760142761, gnomAD 0.01%). This variant has not been reported in the literature in individuals affected with KIF1C-related conditions. ClinVar contains an entry for this variant (Variation ID: 1950520). Invitae Evidence Modeling of protein sequence and biophysical properties (such as structural, functional, and spatial information, amino acid conservation, physicochemical variation, residue mobility, and thermodynamic stability) indicates that this missense variant is not expected to disrupt KIF1C protein function with a negative predictive value of 80%. In summary, the available evidence is currently insufficient to determine the role of this variant in disease. Therefore, it has been classified as a Variant of Uncertain Significance.

Ambry Genetics
Classification: Uncertain significance for Inborn genetic diseases. Last evaluated: 2024-04-01. Review status: criteria provided, single submitter. Criteria: Ambry Variant Classification Scheme 2023. Collection method: clinical testing. Allele origin: germline.